The following is an entry in ClinVar:

NM_153676.4(USH1C):c.2280+6del

Gene: USH1C (USH1 protein network component harmonin; minus strand). Cytogenetic location: 11p15.1.
Variant type: Deletion.
Coding change: c.2280+6del on transcript NM_153676.4 (MANE Select); 6 bases into the intron after coding-DNA position 2280, one base deleted (T; older notation c.2280+6delT).
Molecular consequence: intron variant.
Genome position (GRCh38, 1-based): chr11:17,501,476, A deleted on the plus strand (T on the coding strand, the reverse complement: USH1C is on the minus strand). VCF-style (leftmost placement, unchanged base first): chr11-17501475-CA-C. GRCh37 (hg19) VCF-style: chr11-17523022-CA-C.
Other names: c.1323+6del (NM_001297764.2); c.1380+6del (NM_005709.4).
Identifiers: ClinVar variation 505188 (VCV000505188.12), dbSNP rs776356060, ClinGen allele CA5904248.

ClinVar aggregate classification (germline): Conflicting classifications of pathogenicity. Review status: criteria provided, conflicting classifications (1 of 4 stars). 6 submissions from 6 submitters: Uncertain significance (3); Likely benign (2). 1 of the submissions does not count toward it. Last evaluated 2025-08-06.

Conditions:
Usher syndrome type 1C. Also called: USHER SYNDROME, TYPE I, ACADIAN VARIETY. Identifiers: Orphanet 231169, Orphanet 886, MedGen C1848604, MONDO:0010171, OMIM 276904.
USH1C-related disorder. Also called: USH1C-related condition.

Allele frequency attached by ClinVar (database versions not stated): TOPMed 0.00007; gnomAD 0.00010 and 0.00011; gnomAD exomes 0.00014 and 0.00018; ExAC 0.00018.

Submissions (6):

GeneDx
Classification: Uncertain significance. Last evaluated: 2025-08-06. Review status: criteria provided, single submitter. Criteria: GeneDx Variant Classification Process June 2021. Collection method: clinical testing. Allele origin: germline.
Comment: In silico analysis suggests that this variant does not alter splicing; Has not been previously published as pathogenic or benign to our knowledge

PreventionGenetics, part of Exact Sciences
Classification: Likely benign for USH1C-related condition. Last evaluated: 2025-03-19. Review status: criteria provided, single submitter. Criteria: ACMG Guidelines, 2015. Collection method: clinical testing. Allele origin: germline.
Comment: This variant is classified as likely benign based on ACMG/AMP sequence variant interpretation guidelines (Richards et al. 2015 PMID: 25741868, with internal and published modifications).

Blueprint Genetics
Classification: Likely benign. Last evaluated: 2024-07-08. Review status: criteria provided, single submitter. Criteria: ACMG Guidelines, 2015. Collection method: clinical testing. Allele origin: germline.

Labcorp Genetics (formerly Invitae), Labcorp
Classification: Uncertain significance. Last evaluated: 2022-10-03. Review status: criteria provided, single submitter. Criteria: Invitae Variant Classification Sherloc (09022015). Collection method: clinical testing. Allele origin: germline.
Comment: This sequence change falls in intron 17 of the USH1C gene. It does not directly change the encoded amino acid sequence of the USH1C protein. It affects a nucleotide within the consensus splice site. This variant is present in population databases (rs776356060, gnomAD 0.06%). This variant has not been reported in the literature in individuals affected with USH1C-related conditions. ClinVar contains an entry for this variant (Variation ID: 505188). Variants that disrupt the consensus splice site are a relatively common cause of aberrant splicing (PMID: 17576681, 9536098). Algorithms developed to predict the effect of sequence changes on RNA splicing suggest that this variant is not likely to affect RNA splicing. In summary, the available evidence is currently insufficient to determine the role of this variant in disease. Therefore, it has been classified as a Variant of Uncertain Significance.

Laboratory for Molecular Medicine, Mass General Brigham Personalized Medicine
Classification: Uncertain significance. Last evaluated: 2017-09-04. Review status: criteria provided, single submitter. Criteria: LMM Criteria. Collection method: clinical testing. Allele origin: germline. Observed: 2 variant alleles.
Comment: The c.2280+6delT variant in USH1C has not been previously reported in any indivi duals with hearing loss or Usher syndrome, but has been identified in 14/25378 F inish chromosomes and 27/125444 non-Finnish European chromosomes by the Genome A ggregation Database (gnomAD; dbSNP rs778799555 ). Although this variant has been seen in the general population, its frequency is not high enough to rule out a pathogenic role. This variant is located in the 5' splice region. Computational tools do not suggest an impact to splicing. How ever, this information is not predictive enough to rule out pathogenicity. In su mmary, the clinical significance of the c.2280+6delT variant is uncertain.

Natera, Inc.
Classification: Uncertain significance for Usher syndrome type 1C. Last evaluated: 2019-11-11. Review status: no assertion criteria provided. Collection method: clinical testing. Allele origin: germline. Not counted in ClinVar's aggregate classification.

Literature cited by the submitters: PubMed 17576681 (cited by Labcorp Genetics (formerly Invitae), Labcorp); PubMed 9536098 (cited by Labcorp Genetics (formerly Invitae), Labcorp).